The following is an entry in ClinVar:

ClinVar aggregate classification (germline): Likely pathogenic (1 of 4 stars; one submission).

Conditions:
Autosomal recessive limb-girdle muscular dystrophy type 2J (LGMDR10). Also called: Limb-girdle muscular dystrophy, type 2J; MUSCULAR DYSTROPHY, LIMB-GIRDLE, AUTOSOMAL RECESSIVE 10. Identifiers: Orphanet 140922, MedGen C1837342, MONDO:0012127, OMIM 608807.
Dilated cardiomyopathy 1G (CMD1G). Identifiers: Orphanet 154, MedGen C1858763, MONDO:0011400, OMIM 604145.

Allele frequency attached by ClinVar (database versions not stated): gnomAD 0.00001.

Submission:

Labcorp Genetics (formerly Invitae), Labcorp
Classification: Likely pathogenic for Dilated cardiomyopathy 1G; Autosomal recessive limb-girdle muscular dystrophy type 2J. Last evaluated: 2025-08-07. Review status: criteria provided, single submitter. Criteria: Invitae Variant Classification Sherloc (09022015). Collection method: clinical testing. Allele origin: germline.
Comment: This sequence change creates a premature translational stop signal (p.Leu23851Phefs*9) in the TTN gene. While this is not anticipated to result in nonsense mediated decay, it is expected to create a truncated TTN protein. This variant is not present in population databases (gnomAD no frequency). This variant has not been reported in the literature in individuals affected with TTN-related conditions. ClinVar contains an entry for this variant (Variation ID: 2092907). This variant is located in the A band of TTN (PMID: 25589632). Truncating variants in this region are significantly overrepresented in patients affected with dilated cardiomyopathy (PMID: 25589632). Truncating variants in this region have also been reported in individuals affected with autosomal recessive centronuclear myopathy (PMID: 23975875). In summary, the currently available evidence indicates that the variant is pathogenic, but additional data are needed to prove that conclusively. Therefore, this variant has been classified as Likely Pathogenic.

Literature cited by the submitters: PubMed 25589632; PubMed 23975875.

NM_001267550.2(TTN):c.71550del (p.Leu23851fs)

Genes: TTN (titin; minus strand), TTN-AS1 (TTN antisense RNA 1; plus strand). Cytogenetic location: 2q31.2.
Variant type: Deletion.
Coding change: c.71550del on transcript NM_001267550.2 (MANE Select); coding-DNA position 71550, one base deleted (A; older notation c.71550delA).
Protein change: p.Leu23851fs; shifts the reading frame from leucine 23851.
Molecular consequence: frameshift variant.
Genome position (GRCh38, 1-based): chr2:178,574,582, T deleted on the plus strand (A on the coding strand, the reverse complement: TTN is on the minus strand). VCF-style (leftmost placement, unchanged base first): chr2-178574581-GT-G. GRCh37 (hg19) VCF-style: chr2-179439308-GT-G.
Other names: c.66627del, p.Leu22210fs (NM_001256850.1); c.44355del, p.Leu14786fs (NM_003319.4); c.63846del, p.Leu21283fs (NM_133378.4); c.44730del, p.Leu14911fs (NM_133432.3); c.44931del, p.Leu14978fs (NM_133437.4); short protein forms L22210fs, L14911fs, L21283fs, L14786fs, L14978fs, L23851fs.
Identifiers: ClinVar variation 2092907 (VCV002092907.4), dbSNP rs1709406368, ClinGen allele CA1039713413.
Genomic context (GRCh38, chr2:178,574,581, plus strand): 5'-TACCATTTCGTTCTTTTCTTTCAACATGATATCCTAAAATGGGGCTTCCACCATCAGAAA[GT>G]GGCTCATGCCAGCTAATTGTCATTGAATCCTTGGTAACTGCAGTTACCTGAGGGGTACCA-3'